The following is an entry in ClinVar:

ClinVar aggregate classification (germline): Uncertain significance (1 of 4 stars; one submission).

Allele frequency attached by ClinVar (database versions not stated): TOPMed 0.00001; gnomAD 0.00002.
gnomAD v4.1: 20 of 1,513,792 alleles (0.0013%); highest among the groups gnomAD compares: Middle Eastern, 0.017%; no homozygotes.

Submission:

Labcorp Genetics (formerly Invitae), Labcorp
Classification: Uncertain significance. Last evaluated: 2024-05-29. Review status: criteria provided, single submitter. Criteria: Invitae Variant Classification Sherloc (09022015). Collection method: clinical testing. Allele origin: germline.
Comment: This sequence change replaces alanine, which is neutral and non-polar, with threonine, which is neutral and polar, at codon 717 of the SH2B1 protein (p.Ala717Thr). The frequency data for this variant in the population databases is considered unreliable, as metrics indicate poor data quality at this position in the gnomAD database. This variant has not been reported in the literature in individuals affected with SH2B1-related conditions. Algorithms developed to predict the effect of missense changes on protein structure and function output the following: SIFT: "Not Available"; PolyPhen-2: "Benign"; Align-GVGD: "Not Available". The threonine amino acid residue is found in multiple mammalian species, which suggests that this missense change does not adversely affect protein function. In summary, the available evidence is currently insufficient to determine the role of this variant in disease. Therefore, it has been classified as a Variant of Uncertain Significance.

NM_001387430.1(SH2B1):c.2149G>A (p.Ala717Thr)

Gene: SH2B1 (SH2B adaptor protein 1; plus strand). Cytogenetic location: 16p11.2.
Variant type: single nucleotide variant.
Coding change: c.2149G>A on transcript NM_001387430.1 (MANE Select); coding-DNA position 2149, G replaced by A.
Protein change: p.Ala717Thr; replaces alanine 717 with threonine.
Molecular consequence: missense variant. On other transcripts: 3 prime UTR variant (5).
Genome position (GRCh38, 1-based): chr16:28,873,698, G>A. VCF-style: chr16-28873698-G-A. GRCh37 (hg19) VCF-style: chr16-28885019-G-A.
Other names: c.2149G>A, p.Ala717Thr (NM_001145795.2, NM_001308293.2, NM_001387404.1); c.*233G>A (NM_001145796.2, NM_001145812.2, NM_001308294.2 and 1 more transcripts); c.*250G>A (NM_001145797.2); short protein forms A717T.
Identifiers: ClinVar variation 2782600 (VCV002782600.3), dbSNP rs775937151, ClinGen allele CA279223677.